The following is an entry in ClinVar:

ClinVar aggregate classification (germline): Likely pathogenic (1 of 4 stars; one submission).

Allele frequency attached by ClinVar (database versions not stated): gnomAD exomes below 0.00001.
gnomAD v4.1: 2 of 1,611,242 alleles (0.00012%); highest among the groups gnomAD compares: Non-Finnish European, 0.00017%; no homozygotes.

Submission:

Labcorp Genetics (formerly Invitae), Labcorp
Classification: Likely pathogenic. Last evaluated: 2022-09-17. Review status: criteria provided, single submitter. Criteria: Invitae Variant Classification Sherloc (09022015). Collection method: clinical testing. Allele origin: germline.
Comment: In summary, the currently available evidence indicates that the variant is pathogenic, but additional data are needed to prove that conclusively. Therefore, this variant has been classified as Likely Pathogenic. Algorithms developed to predict the effect of sequence changes on RNA splicing suggest that this variant may disrupt the consensus splice site. ClinVar contains an entry for this variant (Variation ID: 840782). This variant has not been reported in the literature in individuals affected with IMPG2-related conditions. This variant is not present in population databases (gnomAD no frequency). This sequence change affects a donor splice site in intron 9 of the IMPG2 gene. It is expected to disrupt RNA splicing. Variants that disrupt the donor or acceptor splice site typically lead to a loss of protein function (PMID: 16199547), and loss-of-function variants in IMPG2 are known to be pathogenic (PMID: 20673862).

Literature cited by the submitters: PubMed 16199547; PubMed 20673862.

NM_016247.4(IMPG2):c.908+1G>A

Gene: IMPG2 (interphotoreceptor matrix proteoglycan 2; minus strand). Cytogenetic location: 3q12.3.
Variant type: single nucleotide variant.
Coding change: c.908+1G>A on transcript NM_016247.4 (MANE Select); the canonical splice donor site of the intron after coding-DNA position 908, G replaced by A.
Molecular consequence: splice donor variant.
Genome position (GRCh38, 1-based): chr3:101,267,510, C>T on the plus strand (G>A on the coding strand, the complement: IMPG2 is on the minus strand). VCF-style: chr3-101267510-C-T. GRCh37 (hg19) VCF-style: chr3-100986354-C-T.
Identifiers: ClinVar variation 840782 (VCV000840782.8), dbSNP rs1253611243, ClinGen allele CA353867301.